The following is an entry in ClinVar:

NC_000001.10:g.(?_44257753)_(46663493_?)dup

Genes: AKR1A1 (aldo-keto reductase family 1 member A1; plus strand), ARMH1 (armadillo like helical domain containing 1; plus strand), ARTN (artemin; plus strand), ATP6V0B (ATPase H+ transporting V0 subunit b; plus strand), B4GALT2 (beta-1,4-galactosyltransferase 2; plus strand) and 36 more. Cytogenetic location: 1p34.1.
Variant type: Duplication.
Identifiers: ClinVar variation 2425557 (VCV002425557.4).

ClinVar aggregate classification (germline): Uncertain significance (1 of 4 stars; one submission).

Conditions:
Developmental and epileptic encephalopathy. Identifiers: MedGen C5779964, MONDO:0100620.

Submission:

Labcorp Genetics (formerly Invitae), Labcorp
Classification: Uncertain significance for Early-infantile DEE. Last evaluated: 2022-03-27. Review status: criteria provided, single submitter. Criteria: Invitae Variant Classification Sherloc (09022015). Collection method: clinical testing. Allele origin: germline.
Comment: In summary, the available evidence is currently insufficient to determine the role of this variant in disease. Therefore, it has been classified as a Variant of Uncertain Significance. Experimental studies and prediction algorithms are not available or were not evaluated, and the functional significance of this variant is currently unknown. This variant has not been reported in the literature in individuals affected with ST3GAL3-related conditions. This variant results in a copy number gain of the genomic region encompassing exon(s) 3-12 of the ST3GAL3 gene. This region includes the termination codon of the gene. This copy number gain extends beyond the assayed region for this gene and therefore may encompass additional genes. As the precise location of this event is unknown, it may be in tandem or it may be located elsewhere in the genome.